The following is an entry in ClinVar:

ClinVar aggregate classification (germline): Uncertain significance (1 of 4 stars; one submission).

Submission:

Labcorp Genetics (formerly Invitae), Labcorp
Classification: Uncertain significance. Last evaluated: 2022-05-25. Review status: criteria provided, single submitter. Criteria: Invitae Variant Classification Sherloc (09022015). Collection method: clinical testing. Allele origin: germline.
Comment: This sequence change falls in intron 6 of the RETREG1 gene. It does not directly change the encoded amino acid sequence of the RETREG1 protein. It affects a nucleotide within the consensus splice site. In summary, the available evidence is currently insufficient to determine the role of this variant in disease. Therefore, it has been classified as a Variant of Uncertain Significance. Variants that disrupt the consensus splice site are a relatively common cause of aberrant splicing (PMID: 17576681, 9536098). Algorithms developed to predict the effect of sequence changes on RNA splicing suggest that this variant may disrupt the consensus splice site. This variant has not been reported in the literature in individuals affected with RETREG1-related conditions. This variant is not present in population databases (gnomAD no frequency).

Literature cited by the submitters: PubMed 17576681; PubMed 9536098.

NM_001034850.3(RETREG1):c.808+4G>C

Gene: RETREG1 (reticulophagy regulator 1; minus strand). Cytogenetic location: 5p15.1.
Variant type: single nucleotide variant.
Coding change: c.808+4G>C on transcript NM_001034850.3 (MANE Select); 4 bases into the intron after coding-DNA position 808, G replaced by C.
Molecular consequence: intron variant.
Genome position (GRCh38, 1-based): chr5:16,478,846, C>G on the plus strand (G>C on the coding strand, the complement: RETREG1 is on the minus strand). VCF-style: chr5-16478846-C-G. GRCh37 (hg19) VCF-style: chr5-16478955-C-G.
Other names: c.385+4G>C (NM_019000.5).
Identifiers: ClinVar variation 1998558 (VCV001998558.4), dbSNP rs2477469839, ClinGen allele CA2580073158.
Genomic context (GRCh38, chr5:16,478,846, plus strand): 5'-TCCTAAAAATAGCTCGCTAATGTCTCATTTCATGCATAGAATCTAAAATATAAACTTTAC[C>G]TACCAGATCTCTCACGTTTCTTCTGATTAATATATTCTCCAATTCCAAAATCCAGTTTCA-3'